The following is an entry in ClinVar:

NM_006514.4(SCN10A):c.232C>T (p.Pro78Ser)

Gene: SCN10A (sodium voltage-gated channel alpha subunit 10; minus strand). Cytogenetic location: 3p22.2.
Variant type: single nucleotide variant.
Coding change: c.232C>T on transcript NM_006514.4 (MANE Select); coding-DNA position 232, C replaced by T.
Protein change: p.Pro78Ser; replaces proline 78 with serine.
Molecular consequence: missense variant.
Genome position (GRCh38, 1-based): chr3:38,793,779, G>A on the plus strand (C>T on the coding strand, the complement: SCN10A is on the minus strand). VCF-style: chr3-38793779-G-A. GRCh37 (hg19) VCF-style: chr3-38835270-G-A.
Other names: c.232C>T, p.Pro78Ser (NM_001293306.2, NM_001293307.2); short protein forms P78S.
Identifiers: ClinVar variation 432671 (VCV000432671.12), dbSNP rs753292241, ClinGen allele CA2321278.
Genomic context (GRCh38, chr3:38,793,779, plus strand): 5'-CATTCCTACTAGTAGCTCTTACCCGGTGTGTGCTGTAGAACGGATCTAGATCCTCCAGGG[G>A]CTCCCCGATCAGTTCTGCTGGGAGCTCACCATAGAACTTGGGCAGCTGGTTGCAGGCTTT-3'
Protein context (NP_006505.4, residues 68-88): GELPAELIGE[Pro78Ser]LEDLDPFYST

ClinVar aggregate classification (germline): Conflicting classifications of pathogenicity. Review status: criteria provided, conflicting classifications (1 of 4 stars). 4 submissions from 4 submitters: Uncertain significance (3); Likely benign (1). Last evaluated 2026-07-01.

Conditions:
Brugada syndrome. Also called: Sudden unexplained nocturnal death syndrome; Sudden Unexplained Death Syndrome; Sudden Unexplained Nocturnal Death Syndrome (SUNDS); Sudden unexpected nocturnal death syndrome. Identifiers: Orphanet 130, MedGen C1142166, MONDO:0015263.
Cardiovascular phenotype. Identifiers: MedGen CN230736.

Allele frequency attached by ClinVar (database versions not stated): TOPMed 0.00001; gnomAD 0.00003.
gnomAD v4.1: 7 of 1,613,700 alleles (0.00043%); highest among the groups gnomAD compares: East Asian, 0.011%; no homozygotes.

Submissions (4):

CeGaT Center for Human Genetics Tuebingen
Classification: Uncertain significance. Last evaluated: 2026-07-01. Review status: criteria provided, single submitter. Criteria: CeGaT Center For Human Genetics Tuebingen Variant Classification Criteria Version 2. Collection method: clinical testing. Allele origin: germline. Affected: yes. Observed: 1 variant allele.
Comment: SCN10A: PM2

Labcorp Genetics (formerly Invitae), Labcorp
Classification: Uncertain significance for Brugada syndrome. Last evaluated: 2025-01-27. Review status: criteria provided, single submitter. Criteria: Invitae Variant Classification Sherloc (09022015). Collection method: clinical testing. Allele origin: germline.
Comment: This sequence change replaces proline, which is neutral and non-polar, with serine, which is neutral and polar, at codon 78 of the SCN10A protein (p.Pro78Ser). The frequency data for this variant in the population databases is considered unreliable, as metrics indicate poor data quality at this position in the gnomAD database. This variant has not been reported in the literature in individuals affected with SCN10A-related conditions. ClinVar contains an entry for this variant (Variation ID: 432671). Invitae Evidence Modeling of protein sequence and biophysical properties (such as structural, functional, and spatial information, amino acid conservation, physicochemical variation, residue mobility, and thermodynamic stability) indicates that this missense variant is expected to disrupt SCN10A protein function with a positive predictive value of 80%. In summary, the available evidence is currently insufficient to determine the role of this variant in disease. Therefore, it has been classified as a Variant of Uncertain Significance.

Ambry Genetics
Classification: Likely benign for Cardiovascular phenotype. Last evaluated: 2022-03-11. Review status: criteria provided, single submitter. Criteria: Ambry Variant Classification Scheme 2023. Collection method: clinical testing. Allele origin: germline.

GeneDx
Classification: Uncertain significance. Last evaluated: 2020-01-24. Review status: criteria provided, single submitter. Criteria: GeneDx Variant Classification Process June 2021. Collection method: clinical testing. Allele origin: germline. Affected: yes.
Comment: Not observed at a significant frequency in large population cohorts (Lek et al., 2016); In silico analysis, which includes protein predictors and evolutionary conservation, supports a deleterious effect; Has not been previously published as pathogenic or benign to our knowledge